The following is an entry in ClinVar:

ClinVar aggregate classification (germline): Uncertain significance (1 of 4 stars; one submission).

Conditions:
T-cell immunodeficiency, congenital alopecia, and nail dystrophy. Also called: Congenital alopecia and nail dystrophy associated with severe functional T-cell immunodeficiency; Pignata Guarino syndrome. Identifiers: Orphanet 169095, MedGen C1866426, MONDO:0011132, OMIM 601705.

Allele frequency attached by ClinVar (database versions not stated): gnomAD exomes below 0.00001; ExAC 0.00001.
gnomAD v4.1: 1 of 1,613,760 alleles (0.000062%); highest among the groups gnomAD compares: Admixed American, 0.0017%; no homozygotes.

Submission:

Labcorp Genetics (formerly Invitae), Labcorp
Classification: Uncertain significance for T-cell immunodeficiency, congenital alopecia, and nail dystrophy. Last evaluated: 2024-07-12. Review status: criteria provided, single submitter. Criteria: Invitae Variant Classification Sherloc (09022015). Collection method: clinical testing. Allele origin: germline.
Comment: This sequence change replaces phenylalanine, which is neutral and non-polar, with serine, which is neutral and polar, at codon 149 of the FOXN1 protein (p.Phe149Ser). This variant is present in population databases (rs767224907, gnomAD 0.003%). This variant has not been reported in the literature in individuals affected with FOXN1-related conditions. ClinVar contains an entry for this variant (Variation ID: 1363249). Advanced modeling of protein sequence and biophysical properties (such as structural, functional, and spatial information, amino acid conservation, physicochemical variation, residue mobility, and thermodynamic stability) performed at Invitae indicates that this missense variant is not expected to disrupt FOXN1 protein function with a negative predictive value of 80%. In summary, the available evidence is currently insufficient to determine the role of this variant in disease. Therefore, it has been classified as a Variant of Uncertain Significance.

NM_001369369.1(FOXN1):c.446T>C (p.Phe149Ser)

Gene: FOXN1 (forkhead box N1; plus strand). Cytogenetic location: 17q11.2.
Variant type: single nucleotide variant.
Coding change: c.446T>C on transcript NM_001369369.1 (MANE Select); coding-DNA position 446, T replaced by C.
Protein change: p.Phe149Ser; replaces phenylalanine 149 with serine.
Molecular consequence: missense variant.
Genome position (GRCh38, 1-based): chr17:28,524,825, T>C. VCF-style: chr17-28524825-T-C. GRCh37 (hg19) VCF-style: chr17-26851843-T-C.
Other names: c.446T>C, p.Phe149Ser (NM_003593.3); short protein forms F149S.
Identifiers: ClinVar variation 1363249 (VCV001363249.6), dbSNP rs767224907, ClinGen allele CA8459229.
Genomic context (GRCh38, chr17:28,524,825, plus strand): 5'-CTTTCCATGAGGACGTCTTCCCAGAGGCCGAGACCACCCTGGCCCTCAAAGGACACTCCT[T>C]TAAGACCCCAGGGCCGCTGGAGGCCTTCGAGGAGATCCCAGTGGACGTGGCGGAGGCCGA-3'
Protein context (NP_001356298.1, residues 139-159): ETTLALKGHS[Phe149Ser]KTPGPLEAFE